The following is an entry in ClinVar:

ClinVar aggregate classification (germline): Conflicting classifications of pathogenicity. Review status: criteria provided, conflicting classifications (1 of 4 stars). 2 submissions from 2 submitters: Uncertain significance (1); Likely benign (1). Last evaluated 2023-03-23.

Conditions:
Hereditary breast ovarian cancer syndrome. Also called: Hereditary breast and ovarian cancer; Breast and ovarian cancer; Hereditary breast and ovarian cancer syndrome; BRCA1- and BRCA2-Associated Hereditary Breast and Ovarian Cancer; Hereditary breast and/or ovarian cancer syndrome; Hereditary breast and ovarian cancer syndrome (HBOC). Identifiers: Orphanet 145, MedGen C0677776, MeSH D061325, MONDO:0003582. Disease mechanism: loss of function.
Hereditary cancer-predisposing syndrome. Also called: Tumor predisposition; Hereditary neoplastic syndrome; Hereditary Cancer Syndrome; Neoplastic Syndromes, Hereditary. Identifiers: Orphanet 140162, MedGen C0027672, MeSH D009386, MONDO:0015356.

Submissions (2):

University of Washington Department of Laboratory Medicine, University of Washington
Classification: Likely benign for Hereditary cancer-predisposing syndrome. Last evaluated: 2023-03-23. Review status: criteria provided, single submitter. Criteria: Dines et al. (Genet Med. 2020). Collection method: curation. Allele origin: germline.
Comment: Missense variant in a coldspot region where missense variants are very unlikely to be pathogenic (PMID:31911673).

BRCA2 exon 10 coldspot. Reclassification based on statistical prior probability.

Labcorp Genetics (formerly Invitae), Labcorp
Classification: Uncertain significance for Hereditary breast ovarian cancer syndrome. Last evaluated: 2018-05-16. Review status: criteria provided, single submitter. Criteria: Invitae Variant Classification Sherloc (09022015). Collection method: clinical testing. Allele origin: germline.
Comment: In summary, the available evidence is currently insufficient to determine the role of this variant in disease. Therefore, it has been classified as a Variant of Uncertain Significance. Algorithms developed to predict the effect of missense changes on protein structure and function output the following: SIFT: "Tolerated"; PolyPhen-2: "Possibly Damaging"; Align-GVGD: "Class C0". The valine amino acid residue is found in multiple mammalian species, suggesting that this missense change does not adversely affect protein function. These predictions have not been confirmed by published functional studies and their clinical significance is uncertain. This variant has not been reported in the literature in individuals with BRCA2-related disease. This variant is not present in population databases (ExAC no frequency). This sequence change replaces leucine with valine at codon 291 of the BRCA2 protein (p.Leu291Val). The leucine residue is moderately conserved and there is a small physicochemical difference between leucine and valine.

NM_000059.4(BRCA2):c.871C>G (p.Leu291Val)

Gene: BRCA2 (BRCA2 DNA repair associated; plus strand). Cytogenetic location: 13q13.1.
Variant type: single nucleotide variant.
Coding change: c.871C>G on transcript NM_000059.4 (MANE Select); coding-DNA position 871, C replaced by G.
Protein change: p.Leu291Val; replaces leucine 291 with valine.
Molecular consequence: missense variant.
Genome position (GRCh38, 1-based): chr13:32,332,349, C>G. VCF-style: chr13-32332349-C-G. GRCh37 (hg19) VCF-style: chr13-32906486-C-G.
Other names: short protein forms L291V.
Identifiers: ClinVar variation 578080 (VCV000578080.9), dbSNP rs1566222250, ClinGen allele CA387760597.
Genomic context (GRCh38, chr13:32,332,349, plus strand): 5'-GGGAATTCATTTAAAGTAAATAGCTGCAAAGACCACATTGGAAAGTCAATGCCAAATGTC[C>G]TAGAAGATGAAGTATATGAAACAGTTGTAGATACCTCTGAAGAAGATAGTTTTTCATTAT-3'
Protein context (NP_000050.3, residues 281-301): DHIGKSMPNV[Leu291Val]EDEVYETVVD